The following is an entry in ClinVar:

ClinVar aggregate classification (germline): Uncertain significance (1 of 4 stars; one submission).

Conditions:
Dystonia 33 (DYT33). Identifiers: MedGen C5562054, MONDO:0030513, OMIM 619687.

Submission:

SIB Swiss Institute of Bioinformatics
Classification: Uncertain significance for Dystonia 33. Last evaluated: 2022-06-10. Review status: criteria provided, single submitter. Criteria: ACMG Guidelines, 2015. Collection method: curation. Allele origin: unknown.
Comment: This variant is interpreted as a variant of uncertain significance for Dystonia 33, autosomal dominant. The following ACMG Tag(s) were applied: Absent from controls (or at extremely low frequency if recessive) in Exome Sequencing Project, 1000 Genomes Project, or Exome Aggregation Consortium (PM2).

Literature cited by the submitters: PubMed 33236446.

NM_001135651.3(EIF2AK2):c.413G>C (p.Gly138Ala)

Gene: EIF2AK2 (eukaryotic translation initiation factor 2 alpha kinase 2; minus strand). Cytogenetic location: 2p22.2.
Variant type: single nucleotide variant.
Coding change: c.413G>C on transcript NM_001135651.3 (MANE Select); coding-DNA position 413, G replaced by C.
Protein change: p.Gly138Ala; replaces glycine 138 with alanine.
Molecular consequence: missense variant.
Genome position (GRCh38, 1-based): chr2:37,139,734, C>G on the plus strand (G>C on the coding strand, the complement: EIF2AK2 is on the minus strand). VCF-style: chr2-37139734-C-G. GRCh37 (hg19) VCF-style: chr2-37366877-C-G.
Other names: c.413G>C, p.Gly138Ala (NM_001135652.3, NM_002759.4); short protein forms G138A.
Identifiers: ClinVar variation 1691705 (VCV001691705.2), dbSNP rs2148703171, ClinGen allele CA346318630.